The following is an entry in ClinVar:

NM_000216.4(ANOS1):c.318+5G>A

Gene: ANOS1 (anosmin 1; minus strand). Cytogenetic location: Xp22.31.
Variant type: single nucleotide variant.
Coding change: c.318+5G>A on transcript NM_000216.4 (MANE Select); 5 bases into the intron after coding-DNA position 318, G replaced by A.
Molecular consequence: intron variant.
Genome position (GRCh38, 1-based): chrX:8,623,603, C>T on the plus strand (G>A on the coding strand, the complement: ANOS1 is on the minus strand). VCF-style: chrX-8623603-C-T. GRCh37 (hg19) VCF-style: chrX-8591644-C-T.
Identifiers: ClinVar variation 2630095 (VCV002630095.2), dbSNP rs2518363404, ClinGen allele CA2695200151.
Genomic context (GRCh38, chrX:8,623,603, plus strand): 5'-ATGACCCCACGTAAGCATAGTCAGATTTGGGTCAAGTGTTTTAAGTACCACTGACGTTCT[C>T]CTACCTCACAAAAGCTTTGGCACTGGTGTTTCCTCAGGTCCCCTGATTCCTTGCAGGGCT-3'

ClinVar aggregate classification (germline): Uncertain significance (1 of 4 stars; one submission).

Conditions:
ANOS1-related disorder. Also called: ANOS1-related condition.

Submission:

PreventionGenetics, part of Exact Sciences
Classification: Uncertain significance for ANOS1-related condition. Last evaluated: 2024-10-24. Review status: criteria provided, single submitter. Criteria: ACMG Guidelines, 2015. Collection method: clinical testing. Allele origin: germline.
Comment: The ANOS1 c.318+5G>A variant is predicted to interfere with splicing. To our knowledge, this variant has not been reported in the literature or in a large population database, indicating this variant is rare. At this time, the clinical significance of this variant is uncertain due to the absence of conclusive functional and genetic evidence.